The following is an entry in ClinVar:

ClinVar aggregate classification (germline): Uncertain significance (1 of 4 stars; one submission).

Allele frequency attached by ClinVar (database versions not stated): gnomAD exomes below 0.00001.
gnomAD v4.1: 1 of 1,610,196 alleles (0.000062%); highest among the groups gnomAD compares: Non-Finnish European, 0.000085%; no homozygotes.

Submission:

Labcorp Genetics (formerly Invitae), Labcorp
Classification: Uncertain significance. Last evaluated: 2022-08-31. Review status: criteria provided, single submitter. Criteria: Invitae Variant Classification Sherloc (09022015). Collection method: clinical testing. Allele origin: germline.
Comment: In summary, the available evidence is currently insufficient to determine the role of this variant in disease. Therefore, it has been classified as a Variant of Uncertain Significance. Algorithms developed to predict the effect of missense changes on protein structure and function are either unavailable or do not agree on the potential impact of this missense change (SIFT: "Tolerated"; PolyPhen-2: "Not Available"; Align-GVGD: "Class C0"). This variant has not been reported in the literature in individuals affected with MICU1-related conditions. This variant is not present in population databases (gnomAD no frequency). This sequence change replaces lysine, which is basic and polar, with glutamic acid, which is acidic and polar, at codon 87 of the MICU1 protein (p.Lys87Glu).

NM_001195518.2(MICU1):c.259A>G (p.Lys87Glu)

Gene: MICU1 (mitochondrial calcium uptake 1; minus strand). Cytogenetic location: 10q22.1.
Variant type: single nucleotide variant.
Coding change: c.259A>G on transcript NM_001195518.2 (MANE Select); coding-DNA position 259, A replaced by G.
Protein change: p.Lys87Glu; replaces lysine 87 with glutamic acid.
Molecular consequence: missense variant.
Genome position (GRCh38, 1-based): chr10:72,562,966, T>C on the plus strand (A>G on the coding strand, the complement: MICU1 is on the minus strand). VCF-style: chr10-72562966-T-C. GRCh37 (hg19) VCF-style: chr10-74322724-T-C.
Other names: c.259A>G, p.Lys87Glu (NM_001363513.2, NM_006077.4); short protein forms K87E.
Identifiers: ClinVar variation 2095029 (VCV002095029.4), dbSNP rs2495686962, ClinGen allele CA377395361.